The following is an entry in ClinVar:

ClinVar aggregate classification (germline): Uncertain significance (1 of 4 stars; one submission).

Conditions:
Distal hereditary motor neuropathy type 2. Identifiers: Orphanet 139525, MedGen C3711384, MeSH C580044, MONDO:0015352.

Submission:

Labcorp Genetics (formerly Invitae), Labcorp
Classification: Uncertain significance for Distal hereditary motor neuropathy type 2. Last evaluated: 2025-09-01. Review status: criteria provided, single submitter. Criteria: Invitae Variant Classification Sherloc (09022015). Collection method: clinical testing. Allele origin: germline.
Comment: This sequence change falls in intron 17 of the FBXO38 gene. It does not directly change the encoded amino acid sequence of the FBXO38 protein. It affects a nucleotide within the consensus splice site. This variant is not present in population databases (gnomAD no frequency). This variant has not been reported in the literature in individuals affected with FBXO38-related conditions. Variants that disrupt the consensus splice site are a relatively common cause of aberrant splicing (PMID: 17576681, 9536098). Algorithms developed to predict the effect of sequence changes on RNA splicing suggest that this variant may disrupt the consensus splice site. In summary, the available evidence is currently insufficient to determine the role of this variant in disease. Therefore, it has been classified as a Variant of Uncertain Significance.

Literature cited by the submitters: PubMed 17576681; PubMed 9536098.

NM_205836.3(FBXO38):c.2857+5G>A

Gene: FBXO38 (F-box protein 38; plus strand). Cytogenetic location: 5q32.
Variant type: single nucleotide variant.
Coding change: c.2857+5G>A on transcript NM_205836.3 (MANE Select); 5 bases into the intron after coding-DNA position 2857, G replaced by A.
Molecular consequence: intron variant.
Genome position (GRCh38, 1-based): chr5:148,433,742, G>A. VCF-style: chr5-148433742-G-A. GRCh37 (hg19) VCF-style: chr5-147813305-G-A.
Other names: c.2632+5G>A (NM_030793.5); c.2122+5G>A (NM_001271723.2).
Identifiers: ClinVar variation 4726439 (VCV004726439.1).